The following is an entry in ClinVar:

NM_000051.4(ATM):c.6367A>G (p.Ser2123Gly)

Genes: ATM (ATM serine/threonine kinase; plus strand), C11orf65 (chromosome 11 open reading frame 65; minus strand). Cytogenetic location: 11q22.3.
Variant type: single nucleotide variant.
Coding change: c.6367A>G on transcript NM_000051.4 (MANE Select); coding-DNA position 6367, A replaced by G.
Protein change: p.Ser2123Gly; replaces serine 2123 with glycine.
Molecular consequence: missense variant. On other transcripts: intron variant (2).
Genome position (GRCh38, 1-based): chr11:108,319,973, A>G. VCF-style: chr11-108319973-A-G. GRCh37 (hg19) VCF-style: chr11-108190700-A-G.
Other names: c.6367A>G, p.Ser2123Gly (NM_001351834.2); c.641-10902T>C (NM_001330368.2); c.*39-10902T>C (NM_001351110.2); short protein forms S2123G.
Identifiers: ClinVar variation 232449 (VCV000232449.28), dbSNP rs876659773, ClinGen allele CA10579220.

ClinVar aggregate classification (germline): Conflicting classifications of pathogenicity. Review status: criteria provided, conflicting classifications (1 of 4 stars). 5 submissions from 5 submitters: Uncertain significance (3); Likely benign (1). 1 of the submissions does not count toward it. Last evaluated 2026-01-26.

Conditions:
Hereditary cancer-predisposing syndrome. Also called: Neoplastic Syndromes, Hereditary; Hereditary neoplastic syndrome; Tumor predisposition; Hereditary Cancer Syndrome. Identifiers: Orphanet 140162, MedGen C0027672, MeSH D009386, MONDO:0015356.
Ataxia-telangiectasia syndrome (AT). Also called: Ataxia telangiectasia (A-T); Cerebello-oculocutaneous telangiectasia; Immunodeficiency with ataxia telangiectasia; LOUIS-BAR SYNDROME; AT, COMPLEMENTATION GROUP C; ATAXIA-TELANGIECTASIA, FRESNO VARIANT. Identifiers: Orphanet 100, MedGen C0004135, MONDO:0008840, OMIM 208900.

Allele frequency attached by ClinVar (database versions not stated): gnomAD 0.00001; gnomAD exomes 0.00001.
gnomAD v4.1: 8 of 1,611,798 alleles (0.0005%); highest among the groups gnomAD compares: African/African-American, 0.0013%; no homozygotes.

Submissions (5):

Labcorp Genetics (formerly Invitae), Labcorp
Classification: Uncertain significance for Ataxia-telangiectasia syndrome. Last evaluated: 2026-01-26. Review status: criteria provided, single submitter. Criteria: Invitae Variant Classification Sherloc (09022015). Collection method: clinical testing. Allele origin: germline.
Comment: This sequence change replaces serine, which is neutral and polar, with glycine, which is neutral and non-polar, at codon 2123 of the ATM protein (p.Ser2123Gly). This variant is not present in population databases (gnomAD no frequency). This variant has not been reported in the literature in individuals affected with ATM-related conditions. ClinVar contains an entry for this variant (Variation ID: 232449). Invitae Evidence Modeling of protein sequence and biophysical properties (such as structural, functional, and spatial information, amino acid conservation, physicochemical variation, residue mobility, and thermodynamic stability) indicates that this missense variant is not expected to disrupt ATM protein function with a negative predictive value of 95%. In summary, the available evidence is currently insufficient to determine the role of this variant in disease. Therefore, it has been classified as a Variant of Uncertain Significance.

Ambry Genetics
Classification: Likely benign for Hereditary cancer-predisposing syndrome. Last evaluated: 2024-01-12. Review status: criteria provided, single submitter. Criteria: Ambry Variant Classification Scheme 2023. Collection method: clinical testing. Allele origin: germline.

Genetic Services Laboratory, University of Chicago
Classification: Uncertain significance. Last evaluated: 2021-01-06. Review status: criteria provided, single submitter. Criteria: ACMG Guidelines, 2015. Collection method: clinical testing. Allele origin: germline. Affected: no.
Comment: DNA sequence analysis of the ATM gene demonstrated a sequence change, c.6367A>G, in exon 44 that results in an amino acid change, p.Ser2123Gly. This sequence change is absent from known population databases (gnomAD). The p.Ser2123Gly change affects a poorly conserved amino acid residue located in a domain of the ATM protein that is known to be functional. The p.Ser2123Gly substitution appears to be benign using several in-silico pathogenicity prediction tools (SIFT, PolyPhen2, Align GVGD, REVEL). This variant has not been reported in the literature in individuals with ATM-related disease Due to the lack of sufficient evidences the clinical significance of the p.Ser2123Gly change remains unknown at this time.

Color Diagnostics, LLC DBA Color Health
Classification: Uncertain significance for Hereditary cancer-predisposing syndrome. Last evaluated: 2019-02-02. Review status: criteria provided, single submitter. Criteria: ACMG Guidelines, 2015. Collection method: clinical testing. Allele origin: germline.

Natera, Inc.
Classification: Uncertain significance for Ataxia-telangiectasia. Last evaluated: 2020-11-09. Review status: no assertion criteria provided. Collection method: clinical testing. Allele origin: germline. Not counted in ClinVar's aggregate classification.